The following is an entry in ClinVar:

NM_000264.5(PTCH1):c.1068-1G>T

Gene: PTCH1 (patched 1; minus strand). Cytogenetic location: 9q22.32.
Variant type: single nucleotide variant.
Coding change: c.1068-1G>T on transcript NM_000264.5 (MANE Select); the canonical splice acceptor site of the intron before coding-DNA position 1068, G replaced by T.
Molecular consequence: splice acceptor variant.
Genome position (GRCh38, 1-based): chr9:95,479,148, C>A on the plus strand (G>T on the coding strand, the complement: PTCH1 is on the minus strand). VCF-style: chr9-95479148-C-A. GRCh37 (hg19) VCF-style: chr9-98241430-C-A.
Other names: c.1065-1G>T (NM_001083603.3); c.870-1G>T (NM_001083602.3); c.1068-1G>T (NM_001354918.2); c.615-1G>T (NM_001083605.3, NM_001083604.3, NM_001083606.3 and 1 more transcripts).
Identifiers: ClinVar variation 428850 (VCV000428850.6), dbSNP rs1085307752, ClinGen allele CA374119547.

ClinVar aggregate classification (germline): Likely pathogenic. Review status: criteria provided, multiple submitters, no conflicts (2 of 4 stars). 2 submissions from 2 submitters: Likely pathogenic (2). Last evaluated 2024-06-10.

Conditions:
Basal cell nevus syndrome 1 (BCNS1). Also called: GORLIN-GOLTZ SYNDROME; MULTIPLE BASAL CELL NEVI, ODONTOGENIC KERATOCYSTS, AND SKELETAL ANOMALIES. Identifiers: MedGen CN376810, MONDO:0958174, OMIM 109400.
Hereditary cancer-predisposing syndrome. Also called: Tumor predisposition; Hereditary Cancer Syndrome; Hereditary neoplastic syndrome; Neoplastic Syndromes, Hereditary. Identifiers: Orphanet 140162, MedGen C0027672, MeSH D009386, MONDO:0015356.

Submissions (2):

Department of Human Genetics, Hannover Medical School
Classification: Likely pathogenic for Basal cell nevus syndrome 1. Last evaluated: 2024-06-10. Review status: criteria provided, single submitter. Criteria: ACMG Guidelines, 2015. Collection method: clinical testing. Allele origin: germline. Affected: yes.

Ambry Genetics
Classification: Likely pathogenic for Hereditary cancer-predisposing syndrome. Last evaluated: 2016-07-15. Review status: criteria provided, single submitter. Criteria: Ambry Variant Classification Scheme 2023. Collection method: clinical testing. Allele origin: germline.
Comment: The c.1068-1G>T intronic variant results from a G to T substitution one nucleotide upstream from coding exon 8 of the PTCH1 gene. This variant was not reported in population based cohorts in the following databases: Database of Single Nucleotide Polymorphisms (dbSNP), NHLBI Exome Sequencing Project (ESP), and 1000 Genomes Project. In the ESP, this variant was not observed in 6503 samples (13006 alleles) with coverage at this position. To date, this alteration has been detected with an allele frequency of approximately 0.3% (greater than 400 alleles tested) in our clinical cohort. This nucleotide position is highly conserved in available vertebrate species. The BDGP and ESEfinder splice site prediction tools do not produce a reliable prediction for the nearby native splice acceptor site. Alterations that disrupt the canonical splice site are expected to cause aberrant splicing, resulting in an abnormal protein or a transcript that is subject to nonsense-mediated mRNA decay. As such, this alteration is classified as likely pathogenic.